The following is an entry in ClinVar:

NM_022436.3(ABCG5):c.1228A>G (p.Asn410Asp)

Genes: ABCG5 (ATP binding cassette subfamily G member 5; minus strand), DYNC2LI1 (dynein cytoplasmic 2 light intermediate chain 1; plus strand). Cytogenetic location: 2p21.
Variant type: single nucleotide variant.
Coding change: c.1228A>G on transcript NM_022436.3 (MANE Select); coding-DNA position 1228, A replaced by G.
Protein change: p.Asn410Asp; replaces asparagine 410 with aspartic acid.
Molecular consequence: missense variant. On other transcripts: intron variant (2).
Genome position (GRCh38, 1-based): chr2:43,824,009, T>C on the plus strand (A>G on the coding strand, the complement: ABCG5 is on the minus strand). VCF-style: chr2-43824009-T-C. GRCh37 (hg19) VCF-style: chr2-44051148-T-C.
Other names: c.1228A>G (NM_022436.2); c.*16-3377T>C (NM_001348913.2, NM_001348912.2); short protein forms N410D.
Identifiers: ClinVar variation 1492861 (VCV001492861.9), dbSNP rs115590670, ClinGen allele CA1636360.

ClinVar aggregate classification (germline): Conflicting classifications of pathogenicity. Review status: criteria provided, conflicting classifications (1 of 4 stars). 3 submissions from 3 submitters: Uncertain significance (2); Likely benign (1). Last evaluated 2024-05-29.

Conditions:
Cardiovascular phenotype. Identifiers: MedGen CN230736.
Sitosterolemia (STSL). Also called: PHYTOSTEROLEMIA. Identifiers: Orphanet 2882, MedGen C0342907, MONDO:0008863.
Sitosterolemia 2. Identifiers: MedGen C5231453, MONDO:0020748, OMIM 618666.

gnomAD v4.1: 38 of 1,614,072 alleles (0.0024%); highest among the groups gnomAD compares: Middle Eastern, 0.016%; no homozygotes.

Submissions (3):

Revvity Omics, Revvity
Classification: Uncertain significance for Sitosterolemia 2. Last evaluated: 2024-05-29. Review status: criteria provided, single submitter. Criteria: ACMG Guidelines, 2015. Collection method: clinical testing. Allele origin: germline.

Ambry Genetics
Classification: Likely benign for Cardiovascular phenotype. Last evaluated: 2022-11-21. Review status: criteria provided, single submitter. Criteria: Ambry Variant Classification Scheme 2023. Collection method: clinical testing. Allele origin: germline.

Labcorp Genetics (formerly Invitae), Labcorp
Classification: Uncertain significance for Sitosterolemia. Last evaluated: 2021-10-29. Review status: criteria provided, single submitter. Criteria: Invitae Variant Classification Sherloc (09022015). Collection method: clinical testing. Allele origin: germline.
Comment: This sequence change replaces asparagine, which is neutral and polar, with aspartic acid, which is acidic and polar, at codon 410 of the ABCG5 protein (p.Asn410Asp). This variant is present in population databases (rs115590670, gnomAD 0.007%). This variant has not been reported in the literature in individuals affected with ABCG5-related conditions. Algorithms developed to predict the effect of missense changes on protein structure and function output the following: SIFT: "Tolerated"; PolyPhen-2: "Benign"; Align-GVGD: "Class C0". The aspartic acid amino acid residue is found in multiple mammalian species, which suggests that this missense change does not adversely affect protein function. In summary, the available evidence is currently insufficient to determine the role of this variant in disease. Therefore, it has been classified as a Variant of Uncertain Significance.